The following is an entry in ClinVar:

ClinVar aggregate classification (germline): Uncertain significance (0 of 4 stars; one submission).

Conditions:
NRP2-related disorder. Also called: NRP2-related condition.

gnomAD v4.1: 23 of 1,614,016 alleles (0.0014%); highest among the groups gnomAD compares: Middle Eastern, 0.066%; no homozygotes.

Submission:

PreventionGenetics, part of Exact Sciences
Classification: Uncertain significance for NRP2-related condition. Last evaluated: 2024-07-02. Review status: no assertion criteria provided. Collection method: clinical testing. Allele origin: germline.
Comment: The NRP2 c.2174G>A variant is predicted to result in the amino acid substitution p.Gly725Asp. To our knowledge, this variant has not been reported in the literature. This variant is reported in 0.012% of alleles in individuals of Latino descent in gnomAD. At this time, the clinical significance of this variant is uncertain due to the absence of conclusive functional and genetic evidence.

NM_003872.3(NRP2):c.2174G>A (p.Gly725Asp)

Gene: NRP2 (neuropilin 2; plus strand). Cytogenetic location: 2q33.3.
Variant type: single nucleotide variant.
Coding change: c.2174G>A on transcript NM_003872.3 (MANE Select); coding-DNA position 2174, G replaced by A.
Protein change: p.Gly725Asp; replaces glycine 725 with aspartic acid.
Molecular consequence: missense variant.
Genome position (GRCh38, 1-based): chr2:205,763,803, G>A. VCF-style: chr2-205763803-G-A. GRCh37 (hg19) VCF-style: chr2-206628527-G-A.
Other names: c.2174G>A, p.Gly725Asp (NM_018534.4, NM_201266.2, NM_201267.2 and 1 more transcripts); short protein forms G725D.
Identifiers: ClinVar variation 3357821 (VCV003357821.1).